The following is an entry in ClinVar:

NM_004628.5(XPC):c.412+119A>G

Gene: XPC (XPC complex subunit, DNA damage recognition and repair factor; minus strand). Cytogenetic location: 3p25.1.
Variant type: single nucleotide variant.
Coding change: c.412+119A>G on transcript NM_004628.5 (MANE Select); 119 bases into the intron after coding-DNA position 412, A replaced by G.
Molecular consequence: intron variant.
Genome position (GRCh38, 1-based): chr3:14,170,319, T>C on the plus strand (A>G on the coding strand, the complement: XPC is on the minus strand). VCF-style: chr3-14170319-T-C. GRCh37 (hg19) VCF-style: chr3-14211819-T-C.
Other names: c.394+119A>G (NM_001354729.2); c.-44+119A>G (NM_001354726.2); c.412+119A>G (NM_001354730.2, NM_001354727.2).
Identifiers: ClinVar variation 1707118 (VCV001707118.2), dbSNP rs11914337, ClinGen allele CA69762711.

ClinVar aggregate classification (germline): Likely benign (1 of 4 stars; one submission).

Allele frequency attached by ClinVar (database versions not stated): gnomAD exomes 0.00122; 1000 Genomes Project 0.00559; 1000 Genomes Project 30x 0.00640; gnomAD 0.00768; TOPMed 0.00894.

Submission:

GeneDx
Classification: Likely benign. Last evaluated: 2019-11-29. Review status: criteria provided, single submitter. Criteria: GeneDx Variant Classification Process June 2021. Collection method: clinical testing. Allele origin: germline. Affected: yes.
Comment: See Variant Classification Assertion Criteria.